The following is an entry in ClinVar:

NM_033310.3(KCNK4):c.490C>G (p.Pro164Ala)

Genes: KCNK4 (potassium two pore domain channel subfamily K member 4; plus strand), KCNK4-CATSPERZ (KCNK4-CATSPERZ readthrough (NMD candidate); plus strand). Cytogenetic location: 11q13.1.
Variant type: single nucleotide variant.
Coding change: c.490C>G on transcript NM_033310.3 (MANE Select); coding-DNA position 490, C replaced by G.
Protein change: p.Pro164Ala; replaces proline 164 with alanine.
Molecular consequence: missense variant. On other transcripts: non-coding transcript variant (1).
Genome position (GRCh38, 1-based): chr11:64,297,482, C>G. VCF-style: chr11-64297482-C-G. GRCh37 (hg19) VCF-style: chr11-64064954-C-G.
Other names: c.490C>G, p.Pro164Ala (NM_001317090.2, NM_033311.1); short protein forms P164A.
Identifiers: ClinVar variation 1906846 (VCV001906846.5), dbSNP rs1015112288, ClinGen allele CA381165451.

ClinVar aggregate classification (germline): Uncertain significance (1 of 4 stars; one submission).

gnomAD v4.1: 4 of 1,614,000 alleles (0.00025%); highest among the groups gnomAD compares: Admixed American, 0.0067%; no homozygotes.

Submission:

Labcorp Genetics (formerly Invitae), Labcorp
Classification: Uncertain significance. Last evaluated: 2024-02-03. Review status: criteria provided, single submitter. Criteria: Invitae Variant Classification Sherloc (09022015). Collection method: clinical testing. Allele origin: germline.
Comment: This sequence change replaces proline, which is neutral and non-polar, with alanine, which is neutral and non-polar, at codon 164 of the KCNK4 protein (p.Pro164Ala). This variant is present in population databases (no rsID available, gnomAD 0.006%). This variant has not been reported in the literature in individuals affected with KCNK4-related conditions. ClinVar contains an entry for this variant (Variation ID: 1906846). An algorithm developed to predict the effect of missense changes on protein structure and function (PolyPhen-2) suggests that this variant is likely to be tolerated. In summary, the available evidence is currently insufficient to determine the role of this variant in disease. Therefore, it has been classified as a Variant of Uncertain Significance.